The following is an entry in ClinVar:

NM_001127222.2(CACNA1A):c.5498G>A (p.Arg1833His)

Gene: CACNA1A (calcium voltage-gated channel subunit alpha1 A; minus strand). Cytogenetic location: 19p13.13.
Variant type: single nucleotide variant.
Coding change: c.5498G>A on transcript NM_001127222.2 (MANE Select); coding-DNA position 5498, G replaced by A.
Protein change: p.Arg1833His; replaces arginine 1833 with histidine.
Molecular consequence: missense variant.
Genome position (GRCh38, 1-based): chr19:13,230,112, C>T on the plus strand (G>A on the coding strand, the complement: CACNA1A is on the minus strand). VCF-style: chr19-13230112-C-T. GRCh37 (hg19) VCF-style: chr19-13340926-C-T.
Other names: c.5516G>A, p.Arg1839His (NM_000068.4, NM_023035.3); c.5501G>A, p.Arg1834His (NM_001127221.2); c.5507G>A, p.Arg1836His (NM_001174080.2); short protein forms R1833H, R1834H, R1836H, R1839H.
Identifiers: ClinVar variation 2042870 (VCV002042870.4), dbSNP rs2512617690, ClinGen allele CA404333395.

ClinVar aggregate classification (germline): Uncertain significance (1 of 4 stars; one submission).

Conditions:
Episodic ataxia type 2 (EA2). Also called: ATAXIA, EPISODIC, WITH NYSTAGMUS; ATAXIA, FAMILIAL PAROXYSMAL; CEREBELLAR ATAXIA, PAROXYSMAL, ACETAZOLAMIDE-RESPONSIVE; CEREBELLOPATHY, HEREDITARY PAROXYSMAL; ACETAZOLAMIDE-RESPONSIVE HEREDITARY PAROXYSMAL CEREBELLAR ATAXIA; EPISODIC ATAXIA, NYSTAGMUS-ASSOCIATED. Identifiers: Orphanet 97, MedGen C1720416, MONDO:0007163, OMIM 108500.
Developmental and epileptic encephalopathy, 42 (DEE42A). Also called: Epileptic encephalopathy, early infantile, 42; DEVELOPMENTAL AND EPILEPTIC ENCEPHALOPATHY 42A; EPILEPTIC ENCEPHALOPATHY, EARLY INFANTILE, 42A. Identifiers: MedGen C4310716, MONDO:0014917, OMIM 617106.

Allele frequency attached by ClinVar (database versions not stated): gnomAD exomes below 0.00001.
gnomAD v4.1: 4 of 1,613,802 alleles (0.00025%); highest among the groups gnomAD compares: South Asian, 0.0011%; 1 homozygote.

Submission:

Labcorp Genetics (formerly Invitae), Labcorp
Classification: Uncertain significance for Developmental and epileptic encephalopathy, 42; Episodic ataxia type 2. Last evaluated: 2023-09-11. Review status: criteria provided, single submitter. Criteria: Invitae Variant Classification Sherloc (09022015). Collection method: clinical testing. Allele origin: germline.
Comment: This variant has not been reported in the literature in individuals affected with CACNA1A-related conditions. In summary, the available evidence is currently insufficient to determine the role of this variant in disease. Therefore, it has been classified as a Variant of Uncertain Significance. Advanced modeling of protein sequence and biophysical properties (such as structural, functional, and spatial information, amino acid conservation, physicochemical variation, residue mobility, and thermodynamic stability) performed at Invitae indicates that this missense variant is expected to disrupt CACNA1A protein function. ClinVar contains an entry for this variant (Variation ID: 2042870). This variant is not present in population databases (gnomAD no frequency). This sequence change replaces arginine, which is basic and polar, with histidine, which is basic and polar, at codon 1834 of the CACNA1A protein (p.Arg1834His).